The following is an entry in ClinVar:

NM_152419.3(HGSNAT):c.1291T>C (p.Tyr431His)

Gene: HGSNAT (heparan-alpha-glucosaminide N-acetyltransferase; plus strand). Cytogenetic location: 8p11.21.
Variant type: single nucleotide variant.
Coding change: c.1291T>C on transcript NM_152419.3 (MANE Select); coding-DNA position 1291, T replaced by C.
Protein change: p.Tyr431His; replaces tyrosine 431 with histidine.
Molecular consequence: missense variant.
Genome position (GRCh38, 1-based): chr8:43,192,344, T>C. VCF-style: chr8-43192344-T-C. GRCh37 (hg19) VCF-style: chr8-43047487-T-C.
Other names: c.1291T>C, p.Tyr431His (NM_001363227.2); c.1099T>C, p.Tyr367His (NM_001363228.2); c.427T>C, p.Tyr143His (NM_001363229.2); short protein forms Y143H, Y367H, Y431H.
Identifiers: ClinVar variation 1995906 (VCV001995906.4), dbSNP rs2487089068, ClinGen allele CA371119618.

ClinVar aggregate classification (germline): Uncertain significance (1 of 4 stars; one submission).

Conditions:
Retinitis pigmentosa 73 (RP73). Identifiers: Orphanet 791, MedGen C4225287, MONDO:0014687, OMIM 616544.
Mucopolysaccharidosis, MPS-III-C (MPS3C). Also called: SANFILIPPO SYNDROME C; MPS III C; Mucopolysaccharidosis type IIIC (Sanfilippo C); MUCOPOLYSACCHARIDOSIS, TYPE IIIC; mucopolysaccharidosis type 3C; MPS IIIC (Sanfilippo Syndrome Type C). Identifiers: Orphanet 581, Orphanet 79271, MedGen C0086649, MONDO:0009657, OMIM 252930.

Submission:

Labcorp Genetics (formerly Invitae), Labcorp
Classification: Uncertain significance for Retinitis pigmentosa 73; Mucopolysaccharidosis, MPS-III-C. Last evaluated: 2022-05-18. Review status: criteria provided, single submitter. Criteria: Invitae Variant Classification Sherloc (09022015). Collection method: clinical testing. Allele origin: germline.
Comment: This variant is not present in population databases (gnomAD no frequency). This sequence change replaces tyrosine, which is neutral and polar, with histidine, which is basic and polar, at codon 431 of the HGSNAT protein (p.Tyr431His). This variant has not been reported in the literature in individuals affected with HGSNAT-related conditions. Algorithms developed to predict the effect of missense changes on protein structure and function (SIFT, PolyPhen-2, Align-GVGD) all suggest that this variant is likely to be tolerated. In summary, the available evidence is currently insufficient to determine the role of this variant in disease. Therefore, it has been classified as a Variant of Uncertain Significance.